The following is an entry in ClinVar:

ClinVar aggregate classification (germline): Uncertain significance (1 of 4 stars; one submission).

Conditions:
Rhabdoid tumor predisposition syndrome 2 (RTPS2). Identifiers: Orphanet 231108, Orphanet 69077, MedGen C2750074, MONDO:0013224, OMIM 613325.

Allele frequency attached by ClinVar (database versions not stated): TOPMed below 0.00001; gnomAD 0.00001.
gnomAD v4.1: 1 of 1,614,002 alleles (0.000062%); highest among the groups gnomAD compares: East Asian, 0.0022%; no homozygotes.

Submission:

Labcorp Genetics (formerly Invitae), Labcorp
Classification: Uncertain significance for Rhabdoid tumor predisposition syndrome 2. Last evaluated: 2021-09-04. Review status: criteria provided, single submitter. Criteria: Invitae Variant Classification Sherloc (09022015). Collection method: clinical testing. Allele origin: germline.
Comment: In summary, the available evidence is currently insufficient to determine the role of this variant in disease. Therefore, it has been classified as a Variant of Uncertain Significance. Algorithms developed to predict the effect of missense changes on protein structure and function are either unavailable or do not agree on the potential impact of this missense change (SIFT: "Deleterious"; PolyPhen-2: "Benign"; Align-GVGD: "Class C0"). This variant has not been reported in the literature in individuals affected with SMARCA4-related conditions. This variant is not present in population databases (ExAC no frequency). This sequence change replaces methionine with leucine at codon 645 of the SMARCA4 protein (p.Met645Leu). The methionine residue is highly conserved and there is a small physicochemical difference between methionine and leucine.

NM_003072.5(SMARCA4):c.1933A>T (p.Met645Leu)

Gene: SMARCA4 (SWI/SNF related BAF chromatin remodeling complex subunit ATPase 4; plus strand). Cytogenetic location: 19p13.2.
Variant type: single nucleotide variant.
Coding change: c.1933A>T on transcript NM_003072.5 (MANE Select); coding-DNA position 1933, A replaced by T.
Protein change: p.Met645Leu; replaces methionine 645 with leucine.
Molecular consequence: missense variant. On other transcripts: non-coding transcript variant (1).
Genome position (GRCh38, 1-based): chr19:11,003,149, A>T. VCF-style: chr19-11003149-A-T. GRCh37 (hg19) VCF-style: chr19-11113825-A-T.
Other names: c.1933A>T, p.Met645Leu (NM_001128844.3, NM_001128845.2, NM_001128846.2 and 5 more transcripts); short protein forms M645L.
Identifiers: ClinVar variation 1517293 (VCV001517293.6), dbSNP rs763375817, ClinGen allele CA404051706.